The following is an entry in ClinVar:

ClinVar aggregate classification (germline): Uncertain significance (1 of 4 stars; one submission).

Conditions:
Nephronophthisis 16 (NPHP16). Identifiers: Orphanet 655, MedGen C3809320, MONDO:0014158, OMIM 615382.

Allele frequency attached by ClinVar (database versions not stated): gnomAD exomes below 0.00001.
gnomAD v4.1: 1 of 1,608,300 alleles (0.000062%); highest among the groups gnomAD compares: Non-Finnish European, 0.000085%; no homozygotes.

Submission:

Labcorp Genetics (formerly Invitae), Labcorp
Classification: Uncertain significance for Nephronophthisis 16. Last evaluated: 2022-06-22. Review status: criteria provided, single submitter. Criteria: Invitae Variant Classification Sherloc (09022015). Collection method: clinical testing. Allele origin: germline.
Comment: In summary, the available evidence is currently insufficient to determine the role of this variant in disease. Therefore, it has been classified as a Variant of Uncertain Significance. Algorithms developed to predict the effect of missense changes on protein structure and function (SIFT, PolyPhen-2, Align-GVGD) all suggest that this variant is likely to be disruptive. This variant has not been reported in the literature in individuals affected with ANKS6-related conditions. This variant is not present in population databases (gnomAD no frequency). This sequence change replaces glutamine, which is neutral and polar, with arginine, which is basic and polar, at codon 797 of the ANKS6 protein (p.Gln797Arg).

NM_173551.5(ANKS6):c.2390A>G (p.Gln797Arg)

Gene: ANKS6 (ankyrin repeat and sterile alpha motif domain containing 6; minus strand). Cytogenetic location: 9q22.33.
Variant type: single nucleotide variant.
Coding change: c.2390A>G on transcript NM_173551.5 (MANE Select); coding-DNA position 2390, A replaced by G.
Protein change: p.Gln797Arg; replaces glutamine 797 with arginine.
Molecular consequence: missense variant.
Genome position (GRCh38, 1-based): chr9:98,751,033, T>C on the plus strand (A>G on the coding strand, the complement: ANKS6 is on the minus strand). VCF-style: chr9-98751033-T-C. GRCh37 (hg19) VCF-style: chr9-101513315-T-C.
Other names: short protein forms Q797R.
Identifiers: ClinVar variation 2009362 (VCV002009362.4), dbSNP rs2490349870, ClinGen allele CA374213825.